The following is an entry in ClinVar:

NM_015557.3(CHD5):c.2436+10C>T

Gene: CHD5 (chromodomain helicase DNA binding protein 5; minus strand). Cytogenetic location: 1p36.31.
Variant type: single nucleotide variant.
Coding change: c.2436+10C>T on transcript NM_015557.3 (MANE Select); 10 bases into the intron after coding-DNA position 2436, C replaced by T.
Molecular consequence: intron variant.
Genome position (GRCh38, 1-based): chr1:6,142,118, G>A on the plus strand (C>T on the coding strand, the complement: CHD5 is on the minus strand). VCF-style: chr1-6142118-G-A. GRCh37 (hg19) VCF-style: chr1-6202178-G-A.
Identifiers: ClinVar variation 777868 (VCV000777868.5), dbSNP rs200094348, ClinGen allele CA556760.
Genomic context (GRCh38, chr1:6,142,118, plus strand): 5'-ACGGCACCCGTGGTCCCTGAACTAGACCGGGGGCCTTCCTACCGTCCTTCCAAGGATAGC[G>A]AGCCCTCACCTTCATACGGAATACCTTCTTCCCACTCCGAATGGCGTTGTCCTCAAAGGA-3'

ClinVar aggregate classification (germline): Benign/Likely benign. Review status: criteria provided, multiple submitters, no conflicts (2 of 4 stars). 3 submissions from 3 submitters: Benign (1); Likely benign (2). Last evaluated 2026-04-20.

Conditions:
CHD5-related disorder. Also called: CHD5-related condition.

Allele frequency attached by ClinVar (database versions not stated): 1000 Genomes Project 30x 0.00062; 1000 Genomes Project 0.00080; TOPMed 0.00178; ESP Exome Variant Server 0.00277.
gnomAD v4.1: 3,984 of 1,608,868 alleles (0.25%); highest among the groups gnomAD compares: Middle Eastern, 0.69%; 6 homozygotes.

Submissions (3):

PreventionGenetics, part of Exact Sciences
Classification: Likely benign for CHD5-related condition. Last evaluated: 2026-04-20. Review status: criteria provided, single submitter. Criteria: ACMG Guidelines, 2015. Collection method: clinical testing. Allele origin: germline.
Comment: This variant is classified as likely benign based on ACMG/AMP sequence variant interpretation guidelines (Richards et al. 2015 PMID: 25741868, with internal and published modifications).

Blueprint Genetics
Classification: Likely benign. Last evaluated: 2024-11-11. Review status: criteria provided, single submitter. Criteria: ACMG Guidelines, 2015. Collection method: clinical testing. Allele origin: germline.

Labcorp Genetics (formerly Invitae), Labcorp
Classification: Benign. Last evaluated: 2018-05-30. Review status: criteria provided, single submitter. Criteria: Invitae Variant Classification Sherloc (09022015). Collection method: clinical testing. Allele origin: germline.